The following is an entry in ClinVar:

ClinVar aggregate classification (germline): Uncertain significance. Review status: criteria provided, multiple submitters, no conflicts (2 of 4 stars). 2 submissions from 2 submitters: Uncertain significance (2). Last evaluated 2026-01-12.

Allele frequency attached by ClinVar (database versions not stated): gnomAD 0.00004; ExAC 0.00001; TOPMed 0.00005; ESP Exome Variant Server 0.00015.

Submissions (2):

Labcorp Genetics (formerly Invitae), Labcorp
Classification: Uncertain significance. Last evaluated: 2026-01-12. Review status: criteria provided, single submitter. Criteria: Invitae Variant Classification Sherloc (09022015). Collection method: clinical testing. Allele origin: germline.
Comment: This sequence change replaces glycine, which is neutral and non-polar, with aspartic acid, which is acidic and polar, at codon 258 of the RFWD3 protein (p.Gly258Asp). The frequency data for this variant in the population databases is considered unreliable, as metrics indicate poor data quality at this position in the gnomAD database. This variant has not been reported in the literature in individuals affected with RFWD3-related conditions. ClinVar contains an entry for this variant (Variation ID: 2296121). An algorithm developed to predict the effect of missense changes on protein structure and function outputs the following: PolyPhen-2: "Benign". The aspartic acid amino acid residue is found in multiple mammalian species, which suggests that this missense change does not adversely affect protein function. In summary, the available evidence is currently insufficient to determine the role of this variant in disease. Therefore, it has been classified as a Variant of Uncertain Significance.

Ambry Genetics
Classification: Uncertain significance. Last evaluated: 2021-08-02. Review status: criteria provided, single submitter. Criteria: Ambry Variant Classification Scheme 2023. Collection method: clinical testing. Allele origin: germline.

NM_018124.4(RFWD3):c.773G>A (p.Gly258Asp)

Gene: RFWD3 (ring finger and WD repeat domain 3; minus strand). Cytogenetic location: 16q23.1.
Variant type: single nucleotide variant.
Coding change: c.773G>A on transcript NM_018124.4 (MANE Select); coding-DNA position 773, G replaced by A.
Protein change: p.Gly258Asp; replaces glycine 258 with aspartic acid.
Molecular consequence: missense variant. On other transcripts: 5 prime UTR variant (3), intron variant (2).
Genome position (GRCh38, 1-based): chr16:74,649,151, C>T on the plus strand (G>A on the coding strand, the complement: RFWD3 is on the minus strand). VCF-style: chr16-74649151-C-T. GRCh37 (hg19) VCF-style: chr16-74683049-C-T.
Other names: c.773G>A, p.Gly258Asp (NM_001370534.1, NM_001370535.1, NM_001370536.1); c.-236G>A (NM_001370537.1); c.-62G>A (NM_001370539.1, NM_001370540.1, NM_001370541.1); c.-43+2769G>A (NM_001370543.1); c.-164-73G>A (NM_001370542.1); short protein forms G258D.
Identifiers: ClinVar variation 2296121 (VCV002296121.4), dbSNP rs139858023, ClinGen allele CA8169453.